The following is an entry in ClinVar:

ClinVar aggregate classification (germline): Uncertain significance (1 of 4 stars; one submission).

Conditions:
Neuroblastoma, susceptibility to, 3. Also called: ALK-Related Neuroblastic Tumor Susceptibility. Identifiers: Orphanet 635, MedGen C2751681, MONDO:0013083, OMIM 613014.

Submission:

Labcorp Genetics (formerly Invitae), Labcorp
Classification: Uncertain significance for Neuroblastoma, susceptibility to, 3. Last evaluated: 2021-06-22. Review status: criteria provided, single submitter. Criteria: Invitae Variant Classification Sherloc (09022015). Collection method: clinical testing. Allele origin: germline.
Comment: This sequence change affects a donor splice site in intron 7 of the ALK gene. It is expected to disrupt RNA splicing. Variants that disrupt the donor or acceptor splice site typically lead to a loss of protein function (PMID: 16199547), however the current clinical and genetic evidence is not sufficient to establish whether loss-of-function variants in ALK cause disease. This variant is not present in population databases (ExAC no frequency). This variant has not been reported in the literature in individuals with ALK-related conditions. Algorithms developed to predict the effect of sequence changes on RNA splicing suggest that this variant may disrupt the consensus splice site, but this prediction has not been confirmed by published transcriptional studies. In summary, the available evidence is currently insufficient to determine the role of this variant in disease. Therefore, it has been classified as a Variant of Uncertain Significance.

Literature cited by the submitters: PubMed 16199547.

NM_004304.5(ALK):c.1546+1G>A

Gene: ALK (ALK receptor tyrosine kinase; minus strand). Cytogenetic location: 2p23.2.
Variant type: single nucleotide variant.
Coding change: c.1546+1G>A on transcript NM_004304.5 (MANE Select); the canonical splice donor site of the intron after coding-DNA position 1546, G replaced by A.
Molecular consequence: splice donor variant.
Genome position (GRCh38, 1-based): chr2:29,320,750, C>T on the plus strand (G>A on the coding strand, the complement: ALK is on the minus strand). VCF-style: chr2-29320750-C-T. GRCh37 (hg19) VCF-style: chr2-29543616-C-T.
Identifiers: ClinVar variation 1363088 (VCV001363088.8), dbSNP rs2148250829, ClinGen allele CA346472162.